The following is an entry in ClinVar:

NM_001372044.2(SHANK3):c.4765dup (p.Glu1589fs)

Gene: SHANK3 (SH3 and multiple ankyrin repeat domains 3; plus strand). Cytogenetic location: 22q13.33.
Variant type: Duplication.
Coding change: c.4765dup on transcript NM_001372044.2 (MANE Select); coding-DNA position 4765, one base duplicated (G; older notation c.4765dupG).
Protein change: p.Glu1589fs; shifts the reading frame from glutamic acid 1589.
Molecular consequence: frameshift variant.
Genome position (GRCh38, 1-based): chr22:50,722,373, G duplicated; the last of 2 consecutive G bases (chr22:50,722,372-50,722,373); duplicating either gives the same sequence. VCF-style (leftmost placement, unchanged base first): chr22-50722371-A-AG. GRCh37 (hg19) VCF-style: chr22-51160799-A-AG.
Other names: c.4540dupG (NM_033517.1); short protein forms E1589fs.
Identifiers: ClinVar variation 588001 (VCV000588001.5), dbSNP rs1569116595, ClinGen allele CA891843641.

ClinVar aggregate classification (germline): Likely pathogenic (1 of 4 stars; one submission).

Conditions:
Inborn genetic diseases. Identifiers: MedGen C0950123, MeSH D030342.

Submission:

Ambry Genetics
Classification: Likely pathogenic for Inborn genetic diseases. Last evaluated: 2016-07-06. Review status: criteria provided, single submitter. Criteria: Ambry Variant Classification Scheme 2023. Collection method: clinical testing. Allele origin: germline.
Comment: The c.4540dupG variant (also known as p.E1514GFS*29), located in coding exon 21 of the SHANK3 gene, results from a duplication of G at nucleotide position 4540, causing a translational frameshift with a predicted alternate stop codon. This variant was not reported in population based cohorts in the following databases: Database of Single Nucleotide Polymorphisms (dbSNP), NHLBI Exome Sequencing Project (ESP), and 1000 Genomes Project. In the ESP, this variant was not observed in 5740 samples (11480 alleles) with coverage at this position. This nucleotide position is highly conserved in available vertebrate species. This alteration is expected to result in loss of function by premature protein truncation resulting in the loss of the SAM domain of SHANK3. Based on the majority of available evidence to date, this variant is likely to be pathogenic.

Literature cited by the submitters: PubMed 26045941.